The following is an entry in ClinVar:

ClinVar aggregate classification (germline): Uncertain significance. Review status: criteria provided, multiple submitters, no conflicts (2 of 4 stars). 4 submissions from 4 submitters: Uncertain significance (4). Last evaluated 2025-10-03.

Conditions:
Inborn genetic diseases. Identifiers: MedGen C0950123, MeSH D030342.
Fetal akinesia deformation sequence 1 (FADS1). Also called: Pena-Shokeir syndrome type I; Fetal akinesia sequence. Identifiers: Orphanet 994, MedGen C1276035, MONDO:0100101, OMIM 208150, HP:0001989.
Congenital myasthenic syndrome 10. Also called: Myasthenia, limb-girdle, familial. Identifiers: Orphanet 590, MedGen C1850792, MONDO:0009690, OMIM 254300.

Allele frequency attached by ClinVar (database versions not stated): gnomAD exomes 0.00004 and 0.00006; gnomAD 0.00006; TOPMed 0.00006; ExAC 0.00007.
gnomAD v4.1: 104 of 1,610,828 alleles (0.0065%); highest among the groups gnomAD compares: Non-Finnish European, 0.0083%; 1 homozygote.

Submissions (4):

Mayo Clinic Laboratories, Mayo Clinic
Classification: Uncertain significance. Last evaluated: 2025-10-03. Review status: criteria provided, single submitter. Criteria: ACMG Guidelines, 2015. Collection method: clinical testing. Allele origin: germline. Observed: 1 variant allele.
Comment: PM1, PM2_supporting

Labcorp Genetics (formerly Invitae), Labcorp
Classification: Uncertain significance for Congenital myasthenic syndrome 10; Fetal akinesia deformation sequence 1. Last evaluated: 2024-10-18. Review status: criteria provided, single submitter. Criteria: Invitae Variant Classification Sherloc (09022015). Collection method: clinical testing. Allele origin: germline.
Comment: This sequence change replaces threonine, which is neutral and polar, with alanine, which is neutral and non-polar, at codon 77 of the DOK7 protein (p.Thr77Ala). This variant is present in population databases (rs759395609, gnomAD 0.01%). This variant has not been reported in the literature in individuals affected with DOK7-related conditions. ClinVar contains an entry for this variant (Variation ID: 658154). Invitae Evidence Modeling of protein sequence and biophysical properties (such as structural, functional, and spatial information, amino acid conservation, physicochemical variation, residue mobility, and thermodynamic stability) indicates that this missense variant is not expected to disrupt DOK7 protein function with a negative predictive value of 80%. In summary, the available evidence is currently insufficient to determine the role of this variant in disease. Therefore, it has been classified as a Variant of Uncertain Significance.

Ambry Genetics
Classification: Uncertain significance for Inborn genetic diseases. Last evaluated: 2024-04-30. Review status: criteria provided, single submitter. Criteria: Ambry Variant Classification Scheme 2023. Collection method: clinical testing. Allele origin: germline.

Revvity Omics, Revvity
Classification: Uncertain significance. Last evaluated: 2019-05-01. Review status: criteria provided, single submitter. Criteria: ACMG Guidelines, 2015. Collection method: clinical testing. Allele origin: germline.

Literature cited by the submitters: PubMed 36579833 (cited by Mayo Clinic Laboratories, Mayo Clinic).

NM_173660.5(DOK7):c.229A>G (p.Thr77Ala)

Gene: DOK7 (docking protein 7; plus strand). Cytogenetic location: 4p16.3.
Variant type: single nucleotide variant.
Coding change: c.229A>G on transcript NM_173660.5 (MANE Select); coding-DNA position 229, A replaced by G.
Protein change: p.Thr77Ala; replaces threonine 77 with alanine.
Molecular consequence: missense variant. On other transcripts: intron variant (1).
Genome position (GRCh38, 1-based): chr4:3,473,534, A>G. VCF-style: chr4-3473534-A-G. GRCh37 (hg19) VCF-style: chr4-3475261-A-G.
Other names: p.Thr77Ala; c.229A>G, p.Thr77Ala (NM_001164673.2, NM_001301071.2); c.100+9983A>G (NM_001363811.2); short protein forms T77A.
Identifiers: ClinVar variation 658154 (VCV000658154.13), dbSNP rs759395609, ClinGen allele CA2828912.